The following is an entry in ClinVar:

ClinVar aggregate classification (germline): Uncertain significance (1 of 4 stars; one submission).

Submission:

GeneDx
Classification: Uncertain significance. Last evaluated: 2019-04-24. Review status: criteria provided, single submitter. Criteria: GeneDx Variant Classification Process June 2021. Collection method: clinical testing. Allele origin: germline. Affected: yes.
Comment: Not observed in large population cohorts (Lek et al., 2016); In silico analysis, which includes protein predictors and evolutionary conservation, supports that this variant does not alter protein structure/function; Has not been previously published as pathogenic or benign to our knowledge

NM_002055.5(GFAP):c.1220A>G (p.Asn407Ser)

Gene: GFAP (glial fibrillary acidic protein; minus strand). Cytogenetic location: 17q21.31.
Variant type: single nucleotide variant.
Coding change: c.1220A>G on transcript NM_002055.5 (MANE Select); coding-DNA position 1220, A replaced by G.
Protein change: p.Asn407Ser; replaces asparagine 407 with serine.
Molecular consequence: missense variant.
Genome position (GRCh38, 1-based): chr17:44,908,101, T>C on the plus strand (A>G on the coding strand, the complement: GFAP is on the minus strand). VCF-style: chr17-44908101-T-C. GRCh37 (hg19) VCF-style: chr17-42985469-T-C.
Other names: c.1340A>G, p.Asn447Ser (NM_001363846.2); short protein forms N407S, N447S.
Identifiers: ClinVar variation 1305148 (VCV001305148.2), dbSNP rs1555573462, ClinGen allele CA399838949.